The following is an entry in ClinVar:

NM_006206.6(PDGFRA):c.1733T>C (p.Met578Thr)

Gene: PDGFRA (platelet derived growth factor receptor alpha; plus strand). Cytogenetic location: 4q12.
Variant type: single nucleotide variant.
Coding change: c.1733T>C on transcript NM_006206.6 (MANE Select); coding-DNA position 1733, T replaced by C.
Protein change: p.Met578Thr; replaces methionine 578 with threonine.
Molecular consequence: missense variant.
Genome position (GRCh38, 1-based): chr4:54,274,920, T>C. VCF-style: chr4-54274920-T-C. GRCh37 (hg19) VCF-style: chr4-55141087-T-C.
Other names: c.1733T>C, p.Met578Thr (NM_001347827.2, NM_001347829.2); c.1808T>C, p.Met603Thr (NM_001347828.2); c.1772T>C, p.Met591Thr (NM_001347830.2); short protein forms M578T, M603T, M591T.
Identifiers: ClinVar variation 1779035 (VCV001779035.4), dbSNP rs2110300213, ClinGen allele CA356893191.

ClinVar aggregate classification (germline): Uncertain significance. Review status: criteria provided, multiple submitters, no conflicts (2 of 4 stars). 2 submissions from 2 submitters: Uncertain significance (2). Last evaluated 2024-05-26.

Conditions:
Hereditary cancer-predisposing syndrome. Also called: Neoplastic Syndromes, Hereditary; Tumor predisposition; Hereditary Cancer Syndrome; Hereditary neoplastic syndrome. Identifiers: Orphanet 140162, MedGen C0027672, MeSH D009386, MONDO:0015356.
Gastrointestinal stromal tumor. Also called: Gastrointestinal stromal tumor, somatic; Gastrointestinal stroma tumor. Identifiers: Orphanet 44890, MedGen C0238198, MeSH D046152, MONDO:0011719, OMIM 606764, HP:0100723.

Allele frequency attached by ClinVar (database versions not stated): gnomAD exomes below 0.00001.
gnomAD v4.1: 1 of 1,614,176 alleles (0.000062%); highest among the groups gnomAD compares: Non-Finnish European, 0.000085%; no homozygotes.

Submissions (2):

Labcorp Genetics (formerly Invitae), Labcorp
Classification: Uncertain significance for Gastrointestinal stromal tumor. Last evaluated: 2024-05-26. Review status: criteria provided, single submitter. Criteria: Invitae Variant Classification Sherloc (09022015). Collection method: clinical testing. Allele origin: germline.
Comment: This sequence change replaces methionine, which is neutral and non-polar, with threonine, which is neutral and polar, at codon 578 of the PDGFRA protein (p.Met578Thr). This variant is not present in population databases (gnomAD no frequency). This variant has not been reported in the literature in individuals affected with PDGFRA-related conditions. ClinVar contains an entry for this variant (Variation ID: 1779035). Advanced modeling of protein sequence and biophysical properties (such as structural, functional, and spatial information, amino acid conservation, physicochemical variation, residue mobility, and thermodynamic stability) performed at Invitae indicates that this missense variant is not expected to disrupt PDGFRA protein function with a negative predictive value of 80%. In summary, the available evidence is currently insufficient to determine the role of this variant in disease. Therefore, it has been classified as a Variant of Uncertain Significance.

Ambry Genetics
Classification: Uncertain significance for Hereditary cancer-predisposing syndrome. Last evaluated: 2020-09-02. Review status: criteria provided, single submitter. Criteria: Ambry Variant Classification Scheme 2023. Collection method: clinical testing. Allele origin: germline.
Comment: The p.M578T variant (also known as c.1733T>C), located in coding exon 11 of the PDGFRA gene, results from a T to C substitution at nucleotide position 1733. The methionine at codon 578 is replaced by threonine, an amino acid with similar properties. This amino acid position is well conserved in available vertebrate species. In addition, this alteration is predicted to be deleterious by in silico analysis. Since supporting evidence is limited at this time, the clinical significance of this alteration remains unclear.